The following is an entry in ClinVar:

NM_001365276.2(TNXB):c.7610C>T (p.Ser2537Leu)

Gene: TNXB (tenascin XB; minus strand). Cytogenetic location: 6p21.33.
Variant type: single nucleotide variant.
Coding change: c.7610C>T on transcript NM_001365276.2 (MANE Select); coding-DNA position 7610, C replaced by T.
Protein change: p.Ser2537Leu; replaces serine 2537 with leucine.
Molecular consequence: missense variant.
Genome position (GRCh38, 1-based): chr6:32,058,273, G>A on the plus strand (C>T on the coding strand, the complement: TNXB is on the minus strand). VCF-style: chr6-32058273-G-A. GRCh37 (hg19) VCF-style: chr6-32026050-G-A.
Other names: c.7610C>T, p.Ser2537Leu (NM_019105.8); short protein forms S2537L.
Identifiers: ClinVar variation 1759799 (VCV001759799.3), dbSNP rs758988241, ClinGen allele CA3734105.
Genomic context (GRCh38, chr6:32,058,273, plus strand): 5'-TTGTACTGCACGGTGAAGGAGTCAAAGCGGCCCTGGGGGACGGTCCAGGAAAGGCTCAGC[G>A]AGTCAGGGGAGGATCCTGTCACTGTCAGCTCCCCCAGGAGAGGCTCCTCGGGGGGCCCTG-3'
Protein context (NP_001352205.1, residues 2527-2547): ELTVTGSSPD[Ser2537Leu]LSLSWTVPQG

ClinVar aggregate classification (germline): Uncertain significance (1 of 4 stars; one submission).

Conditions:
Cardiovascular phenotype. Identifiers: MedGen CN230736.

Allele frequency attached by ClinVar (database versions not stated): TOPMed below 0.00001; ExAC 0.00001; gnomAD 0.00001; gnomAD exomes 0.00001.
gnomAD v4.1: 20 of 1,612,294 alleles (0.0012%); highest among the groups gnomAD compares: South Asian, 0.0033%; no homozygotes.

Submission:

Ambry Genetics
Classification: Uncertain significance for Cardiovascular phenotype. Last evaluated: 2025-07-12. Review status: criteria provided, single submitter. Criteria: Ambry Variant Classification Scheme 2023. Collection method: clinical testing. Allele origin: germline.
Comment: The p.S2537L variant (also known as c.7610C>T), located in coding exon 21 of the TNXB gene, results from a C to T substitution at nucleotide position 7610. The serine at codon 2537 is replaced by leucine, an amino acid with dissimilar properties. This amino acid position is conserved. In addition, this alteration is predicted to be tolerated by in silico analysis. Since supporting evidence is limited at this time, the clinical significance of this alteration remains unclear.